The following is an entry in ClinVar:

ClinVar aggregate classification (germline): Uncertain significance. Review status: criteria provided, multiple submitters, no conflicts (2 of 4 stars). 2 submissions from 2 submitters: Uncertain significance (2). Last evaluated 2025-03-01.

Conditions:
Hereditary cancer-predisposing syndrome. Also called: Neoplastic Syndromes, Hereditary; Tumor predisposition; Hereditary Cancer Syndrome; Hereditary neoplastic syndrome. Identifiers: Orphanet 140162, MedGen C0027672, MeSH D009386, MONDO:0015356.
Familial adenomatous polyposis 1 (FAP1). Also called: FAMILIAL ADENOMATOUS POLYPOSIS 1, ATTENUATED; POLYPOSIS, ADENOMATOUS INTESTINAL. Identifiers: MedGen C2713442, MONDO:0021056, OMIM 175100. Disease mechanism: loss of function.

Submissions (2):

Ambry Genetics
Classification: Uncertain significance for Hereditary cancer-predisposing syndrome. Last evaluated: 2025-03-01. Review status: criteria provided, single submitter. Criteria: Ambry Variant Classification Scheme 2023. Collection method: clinical testing. Allele origin: germline.
Comment: The p.A783T variant (also known as c.2347G>A), located in coding exon 15 of the APC gene, results from a G to A substitution at nucleotide position 2347. The alanine at codon 783 is replaced by threonine, an amino acid with similar properties. This amino acid position is not well conserved in available vertebrate species. In addition, in silico predictors for this gene do not accurately predict pathogenicity. Missense alterations in APC are not a common cause of disease (Spier I et al. Genet Med. 2024 Feb;26(2):100992). Based on the available evidence, the clinical significance of this variant remains unclear.

Labcorp Genetics (formerly Invitae), Labcorp
Classification: Uncertain significance for Familial adenomatous polyposis 1. Last evaluated: 2019-01-13. Review status: criteria provided, single submitter. Criteria: Invitae Variant Classification Sherloc (09022015). Collection method: clinical testing. Allele origin: germline.
Comment: This sequence change replaces alanine with threonine at codon 783 of the APC protein (p.Ala783Thr). The alanine residue is highly conserved and there is a small physicochemical difference between alanine and threonine. This variant is not present in population databases (ExAC no frequency). This variant has not been reported in the literature in individuals with APC-related conditions. ClinVar contains an entry for this variant (Variation ID: 482310). Algorithms developed to predict the effect of missense changes on protein structure and function output the following: SIFT: "Tolerated"; PolyPhen-2: "Benign"; Align-GVGD: "Class C0". The threonine amino acid residue is found in multiple mammalian species, suggesting that this missense change does not adversely affect protein function. These predictions have not been confirmed by published functional studies and their clinical significance is uncertain. In summary, the available evidence is currently insufficient to determine the role of this variant in disease. Therefore, it has been classified as a Variant of Uncertain Significance.

NM_000038.6(APC):c.2347G>A (p.Ala783Thr)

Gene: APC (APC regulator of Wnt signaling pathway; plus strand). Cytogenetic location: 5q22.2.
Variant type: single nucleotide variant.
Coding change: c.2347G>A on transcript NM_000038.6 (MANE Select); coding-DNA position 2347, G replaced by A.
Protein change: p.Ala783Thr; replaces alanine 783 with threonine.
Molecular consequence: missense variant.
Genome position (GRCh38, 1-based): chr5:112,837,941, G>A. VCF-style: chr5-112837941-G-A. GRCh37 (hg19) VCF-style: chr5-112173638-G-A.
Other names: c.2347G>A, p.Ala783Thr (NM_001127510.3, NM_001354895.2); c.2293G>A, p.Ala765Thr (NM_001127511.3); c.2401G>A, p.Ala801Thr (NM_001354896.2); c.2377G>A, p.Ala793Thr (NM_001354897.2); c.2272G>A, p.Ala758Thr (NM_001354898.2); c.2263G>A, p.Ala755Thr (NM_001354899.2); c.2224G>A, p.Ala742Thr (NM_001354900.2); c.2170G>A, p.Ala724Thr (NM_001354901.2); and 5 more; short protein forms A783T, A765T, A623T, A682T, A657T, A692T, A755T, A793T.
Identifiers: ClinVar variation 482310 (VCV000482310.17), dbSNP rs587780590, ClinGen allele CA16026484.